The following is an entry in ClinVar:

ClinVar aggregate classification (germline): Benign/Likely benign. Review status: criteria provided, multiple submitters, no conflicts (2 of 4 stars). 2 submissions from 2 submitters: Benign (1); Likely benign (1). Last evaluated 2024-07-18.

Conditions:
Familial cancer of breast. Also called: BREAST CANCER, FAMILIAL; Hereditary breast cancer; hereditary breast carcinoma. Identifiers: Orphanet 227535, MedGen C0346153, MONDO:0016419, OMIM 114480. Disease mechanism: loss of function.

Allele frequency attached by ClinVar (database versions not stated): gnomAD exomes below 0.00001; ExAC 0.00001.
gnomAD v4.1: 1 of 1,612,272 alleles (0.000062%); highest among the groups gnomAD compares: Non-Finnish European, 0.000085%; no homozygotes.

Submissions (2):

Myriad Genetics, Inc.
Classification: Benign for Familial cancer of breast. Last evaluated: 2024-07-18. Review status: criteria provided, single submitter. Criteria: Myriad Autosomal Dominant, Autosomal Recessive and X-Linked Classification Criteria (2023). Collection method: clinical testing. Allele origin: unknown.
Comment: This variant is considered benign. This variant is a silent/synonymous amino acid change and it is not expected to impact splicing.

Labcorp Genetics (formerly Invitae), Labcorp
Classification: Likely benign for Familial cancer of breast. Last evaluated: 2023-03-16. Review status: criteria provided, single submitter. Criteria: Invitae Variant Classification Sherloc (09022015). Collection method: clinical testing. Allele origin: germline.

NM_000465.4(BARD1):c.156T>G (p.Arg52=)

Gene: BARD1 (BRCA1 associated RING domain 1; minus strand). Cytogenetic location: 2q35.
Variant type: single nucleotide variant.
Coding change: c.156T>G on transcript NM_000465.4 (MANE Select); coding-DNA position 156, T replaced by G.
Protein change: p.Arg52=; no amino-acid change (arginine 52 retained).
Molecular consequence: synonymous variant. On other transcripts: non-coding transcript variant (3).
Genome position (GRCh38, 1-based): chr2:214,809,414, A>C on the plus strand (T>G on the coding strand, the complement: BARD1 is on the minus strand). VCF-style: chr2-214809414-A-C. GRCh37 (hg19) VCF-style: chr2-215674138-A-C.
Other names: c.156T>G, p.Arg52= (NM_001282543.2, NM_001282545.2, NM_001282548.2 and 1 more transcripts).
Identifiers: ClinVar variation 2063434 (VCV002063434.5), dbSNP rs771809792, ClinGen allele CA2090507.